The following is an entry in ClinVar:

NM_001142864.4(PIEZO1):c.5641C>A (p.Pro1881Thr)

Gene: PIEZO1 (piezo type mechanosensitive ion channel component 1 (Er blood group); minus strand). Cytogenetic location: 16q24.3.
Variant type: single nucleotide variant.
Coding change: c.5641C>A on transcript NM_001142864.4 (MANE Select); coding-DNA position 5641, C replaced by A.
Protein change: p.Pro1881Thr; replaces proline 1881 with threonine.
Molecular consequence: missense variant.
Genome position (GRCh38, 1-based): chr16:88,721,193, G>T on the plus strand (C>A on the coding strand, the complement: PIEZO1 is on the minus strand). VCF-style: chr16-88721193-G-T. GRCh37 (hg19) VCF-style: chr16-88787601-G-T.
Other names: c.5641C>A (NM_001142864.3); short protein forms P1881T.
Identifiers: ClinVar variation 1306207 (VCV001306207.5), dbSNP rs539394199, ClinGen allele CA286409527.

ClinVar aggregate classification (germline): Uncertain significance. Review status: criteria provided, multiple submitters, no conflicts (2 of 4 stars). 3 submissions from 3 submitters: Uncertain significance (2). 1 of the submissions does not count toward it. Last evaluated 2025-04-01.

Conditions:
Inborn genetic diseases. Identifiers: MedGen C0950123, MeSH D030342.
PIEZO1-related disorder. Also called: PIEZO1-related condition; PIEZO1-Related Disorders.

Allele frequency attached by ClinVar (database versions not stated): gnomAD exomes 0.00004; TOPMed 0.00010; gnomAD 0.00015 and 0.00013; 1000 Genomes Project 30x 0.00047; 1000 Genomes Project 0.00060.

Submissions (3):

Ambry Genetics
Classification: Uncertain significance for Inborn genetic diseases. Last evaluated: 2025-04-01. Review status: criteria provided, single submitter. Criteria: Ambry Variant Classification Scheme 2023. Collection method: clinical testing. Allele origin: germline.

GeneDx
Classification: Uncertain significance. Last evaluated: 2019-05-29. Review status: criteria provided, single submitter. Criteria: GeneDx Variant Classification Process June 2021. Collection method: clinical testing. Allele origin: germline. Affected: yes.
Comment: Has not been previously published as pathogenic or benign to our knowledge; In silico analysis, which includes protein predictors and evolutionary conservation, supports that this variant does not alter protein structure/function

PreventionGenetics, part of Exact Sciences
Classification: Uncertain significance for PIEZO1-related condition. Last evaluated: 2024-02-07. Review status: no assertion criteria provided. Collection method: clinical testing. Allele origin: germline. Not counted in ClinVar's aggregate classification.
Comment: The PIEZO1 c.5641C>A variant is predicted to result in the amino acid substitution p.Pro1881Thr. To our knowledge, this variant has not been reported in the literature. This variant is reported in 0.050% of alleles in individuals of African descent in gnomAD. At this time, the clinical significance of this variant is uncertain due to the absence of conclusive functional and genetic evidence.